The following is an entry in ClinVar:

NM_018006.5(TRMU):c.290_327dup (p.Phe110delinsLeuThrTer)

Gene: TRMU (tRNA mitochondrial 2-thiouridylase; plus strand). Cytogenetic location: 22q13.31.
Variant type: Duplication.
Coding change: c.290_327dup on transcript NM_018006.5 (MANE Select); coding-DNA positions 290 to 327, 38 bases duplicated.
Protein change: p.Phe110delinsLeuThrTer.
Molecular consequence: nonsense. On other transcripts: non-coding transcript variant (1), intron variant (3).
Genome position (GRCh38, 1-based): chr22:46,343,303-46,343,340, 38 bases duplicated; duplicating any 38 consecutive bases within chr22:46,343,302-46,343,340 gives the same sequence; the c. name uses the placement nearest the transcript's 3' end. GRCh37 (hg19): chr22:46,739,200-46,739,237.
Other names: c.290_327dup, p.Phe110delinsLeuThrTer (NM_001282785.2); c.14-3119_14-3082dup (NM_001282782.2); c.-6-3119_-6-3082dup (NM_001282783.2, NM_001282784.2).
Identifiers: ClinVar variation 1073932 (VCV001073932.7), dbSNP rs1226116719, ClinGen allele CA639644384.
Genomic context (GRCh38, chr22:46,343,301, plus strand): 5'-AGTCATTTTCTTTTATTCTAGTGACTTTTTGAATGAGTATGAAAAAGGAAGGACTCCCAA[T>TCCTGACATAGTTTGCAACAAGCACATCAAATTTAGTTG]CCTGACATAGTTTGCAACAAGCACATCAAATTTAGTTGCTTTTTTCATTATGCTGTGGAT-3'

ClinVar aggregate classification (germline): Pathogenic (1 of 4 stars; one submission).

Submission:

Labcorp Genetics (formerly Invitae), Labcorp
Classification: Pathogenic. Last evaluated: 2020-08-14. Review status: criteria provided, single submitter. Criteria: Invitae Variant Classification Sherloc (09022015). Collection method: clinical testing. Allele origin: germline.
Comment: This sequence change creates a premature translational stop signal (p.Phe110Leufs*3) in the TRMU gene. It is expected to result in an absent or disrupted protein product. This variant is not present in population databases (ExAC no frequency). This variant has not been reported in the literature in individuals with TRMU-related conditions. Algorithms developed to predict the effect of sequence changes on RNA splicing suggest that this variant may create or strengthen a splice site, but this prediction has not been confirmed by published transcriptional studies. Loss-of-function variants in TRMU are known to be pathogenic (PMID: 19732863, 23625533). For these reasons, this variant has been classified as Pathogenic.

Literature cited by the submitters: PubMed 19732863; PubMed 23625533.